The following is an entry in ClinVar:

ClinVar aggregate classification (germline): Uncertain significance. Review status: criteria provided, multiple submitters, no conflicts (2 of 4 stars). 3 submissions from 3 submitters: Uncertain significance (3). Last evaluated 2024-04-27.

Conditions:
Inborn genetic diseases. Identifiers: MedGen C0950123, MeSH D030342.
Developmental and epileptic encephalopathy, 23 (DEE23). Also called: Epileptic encephalopathy, early infantile, 23. Identifiers: Orphanet 411986, MedGen C4014492, MONDO:0014371, OMIM 615859.

Allele frequency attached by ClinVar (database versions not stated): ExAC 0.00001; gnomAD exomes 0.00003 and 0.00006; TOPMed 0.00005; gnomAD 0.00006; ESP Exome Variant Server 0.00015.
gnomAD v4.1: 107 of 1,613,716 alleles (0.0066%); highest among the groups gnomAD compares: Non-Finnish European, 0.0084%; no homozygotes.

Submissions (3):

Ambry Genetics
Classification: Uncertain significance for Inborn genetic diseases. Last evaluated: 2024-04-27. Review status: criteria provided, single submitter. Criteria: Ambry Variant Classification Scheme 2023. Collection method: clinical testing. Allele origin: germline.

Genome-Nilou Lab
Classification: Uncertain significance for Developmental and epileptic encephalopathy, 23. Last evaluated: 2023-04-11. Review status: criteria provided, single submitter. Criteria: ACMG Guidelines, 2015. Collection method: clinical testing. Allele origin: germline. Affected: no.

Labcorp Genetics (formerly Invitae), Labcorp
Classification: Uncertain significance for Developmental and epileptic encephalopathy, 23. Last evaluated: 2021-12-31. Review status: criteria provided, single submitter. Criteria: Invitae Variant Classification Sherloc (09022015). Collection method: clinical testing. Allele origin: germline.
Comment: This sequence change replaces glycine, which is neutral and non-polar, with arginine, which is basic and polar, at codon 834 of the DOCK7 protein (p.Gly834Arg). This variant is present in population databases (rs147710829, gnomAD 0.005%). This variant has not been reported in the literature in individuals affected with DOCK7-related conditions. ClinVar contains an entry for this variant (Variation ID: 948309). Algorithms developed to predict the effect of missense changes on protein structure and function (SIFT, PolyPhen-2, Align-GVGD) all suggest that this variant is likely to be tolerated. In summary, the available evidence is currently insufficient to determine the role of this variant in disease. Therefore, it has been classified as a Variant of Uncertain Significance.

NM_001367561.1(DOCK7):c.2500G>A (p.Gly834Arg)

Gene: DOCK7 (dedicator of cytokinesis 7; minus strand). Cytogenetic location: 1p31.3.
Variant type: single nucleotide variant.
Coding change: c.2500G>A on transcript NM_001367561.1 (MANE Select); coding-DNA position 2500, G replaced by A.
Protein change: p.Gly834Arg; replaces glycine 834 with arginine.
Molecular consequence: missense variant.
Genome position (GRCh38, 1-based): chr1:62,555,921, C>T on the plus strand (G>A on the coding strand, the complement: DOCK7 is on the minus strand). VCF-style: chr1-62555921-C-T. GRCh37 (hg19) VCF-style: chr1-63021592-C-T.
Other names: c.2500G>A, p.Gly834Arg (NM_001271999.2, NM_001272000.2, NM_001272001.2 and 2 more transcripts); c.2500G>A (NM_033407.2); short protein forms G834R.
Identifiers: ClinVar variation 948309 (VCV000948309.10), dbSNP rs147710829, ClinGen allele CA886253.
Genomic context (GRCh38, chr1:62,555,921, plus strand): 5'-GGAAAACATAATGAATATATGATGCAAGAAGGCTGTTTCTGCCATGCTGGTCATGATTTC[C>T]TTCCAAGTTTTTGTGAAGTCGATTTATAATTGATGCCATGGCTTCAAAAGATGCTTGACC-3'
Protein context (NP_001354490.1, residues 824-844): IINRLHKNLE[Gly834Arg]NHDQHGRNSL